The following is an entry in ClinVar:

NM_004370.6(COL12A1):c.1153del (p.Gln385fs)

Gene: COL12A1 (collagen type XII alpha 1 chain; minus strand). Cytogenetic location: 6q13.
Variant type: Deletion.
Coding change: c.1153del on transcript NM_004370.6 (MANE Select); coding-DNA position 1153, one base deleted (C; older notation c.1153delC).
Protein change: p.Gln385fs; shifts the reading frame from glutamine 385.
Molecular consequence: frameshift variant. On other transcripts: intron variant (1).
Genome position (GRCh38, 1-based): chr6:75,183,989, G deleted on the plus strand (C on the coding strand, the reverse complement: COL12A1 is on the minus strand). VCF-style (leftmost placement, unchanged base first): chr6-75183988-TG-T. GRCh37 (hg19) VCF-style: chr6-75893704-TG-T.
Other names: c.73+18731del (NM_080645.3); short protein forms Q385fs.
Identifiers: ClinVar variation 2004968 (VCV002004968.4), dbSNP rs2533572541, ClinGen allele CA2580075821.
Genomic context (GRCh38, chr6:75,183,988, plus strand): 5'-GAAACACTGATCTGGTATTCTGTGTCTGCTGAGAGGTCGCGAACACTGAGCGTGGTTGTC[TG>T]AGGCCCCACACTCAGAGCGTGCTGTCGGCTTCCTGCAGTCATTGGTGTGAGGATGACTTT-3'

ClinVar aggregate classification (germline): Uncertain significance (1 of 4 stars; one submission).

Conditions:
Ullrich congenital muscular dystrophy 2 (UCMD2). Identifiers: Orphanet 75840, MedGen C4225314, MONDO:0014654, OMIM 616470.
Bethlem myopathy 2 (BTHLM2). Identifiers: Orphanet 536516, Orphanet 610, MedGen C4225313, MONDO:0034022, OMIM 616471.

Submission:

Labcorp Genetics (formerly Invitae), Labcorp
Classification: Uncertain significance for Bethlem myopathy 2; Ullrich congenital muscular dystrophy 2. Last evaluated: 2023-08-09. Review status: criteria provided, single submitter. Criteria: Invitae Variant Classification Sherloc (09022015). Collection method: clinical testing. Allele origin: germline.
Comment: In summary, the available evidence is currently insufficient to determine the role of this variant in disease. Therefore, it has been classified as a Variant of Uncertain Significance. ClinVar contains an entry for this variant (Variation ID: 2004968). This variant has not been reported in the literature in individuals affected with COL12A1-related conditions. This variant is not present in population databases (gnomAD no frequency). This sequence change creates a premature translational stop signal (p.Gln385Argfs*23) in the COL12A1 gene. While this is not anticipated to result in nonsense mediated decay, it is expected to disrupt the last 2679 amino acid(s) of the COL12A1 protein.